The following is an entry in ClinVar:

NM_001369.3(DNAH5):c.2983+6A>G

Genes: DNAH5 (dynein axonemal heavy chain 5; minus strand), DNAH5-AS1 (DNAH5 antisense RNA 1; plus strand). Cytogenetic location: 5p15.2.
Variant type: single nucleotide variant.
Coding change: c.2983+6A>G on transcript NM_001369.3 (MANE Select); 6 bases into the intron after coding-DNA position 2983, A replaced by G.
Molecular consequence: intron variant.
Genome position (GRCh38, 1-based): chr5:13,884,983, T>C on the plus strand (A>G on the coding strand, the complement: DNAH5 is on the minus strand). VCF-style: chr5-13884983-T-C. GRCh37 (hg19) VCF-style: chr5-13885092-T-C.
Identifiers: ClinVar variation 3623150 (VCV003623150.2).

ClinVar aggregate classification (germline): Uncertain significance (1 of 4 stars; one submission).

Conditions:
Primary ciliary dyskinesia. Also called: Ciliary dyskinesia. Identifiers: Orphanet 244, MedGen C0008780, MONDO:0016575, HP:0012265.

Submission:

Labcorp Genetics (formerly Invitae), Labcorp
Classification: Uncertain significance for Primary ciliary dyskinesia. Last evaluated: 2024-05-13. Review status: criteria provided, single submitter. Criteria: Invitae Variant Classification Sherloc (09022015). Collection method: clinical testing. Allele origin: germline.
Comment: This sequence change falls in intron 19 of the DNAH5 gene. It does not directly change the encoded amino acid sequence of the DNAH5 protein. It affects a nucleotide within the consensus splice site. This variant is not present in population databases (gnomAD no frequency). This variant has not been reported in the literature in individuals affected with DNAH5-related conditions. Variants that disrupt the consensus splice site are a relatively common cause of aberrant splicing (PMID: 17576681, 9536098). Algorithms developed to predict the effect of sequence changes on RNA splicing suggest that this variant is not likely to affect RNA splicing. In summary, the available evidence is currently insufficient to determine the role of this variant in disease. Therefore, it has been classified as a Variant of Uncertain Significance.

Literature cited by the submitters: PubMed 17576681; PubMed 9536098.